The following is an entry in ClinVar:

ClinVar aggregate classification (germline): Pathogenic (1 of 4 stars; one submission).

Conditions:
Progressive sclerosing poliodystrophy (MTDPS4A). Also called: Alpers-Huttenlocher Syndrome (AHS); Alpers Syndrome; ALPERS PROGRESSIVE INFANTILE POLIODYSTROPHY; Mitochondrial DNA depletion syndrome 4A (Alpers type); ALPERS DIFFUSE DEGENERATION OF CEREBRAL GRAY MATTER WITH HEPATIC CIRRHOSIS; Alpers-Huttenlocher Syndrome. Identifiers: Orphanet 726, MedGen C0205710, MONDO:0008758, OMIM 203700.

Submission:

Wong Mito Lab, Molecular and Human Genetics, Baylor College of Medicine
Classification: Pathogenic for Progressive sclerosing poliodystrophy. Last evaluated: 2018-10-01. Review status: criteria provided, single submitter. Criteria: ACMG Guidelines, 2015. Collection method: clinical testing. Allele origin: germline.
Comment: The NM_002693.2:c.2662G>A (NP_002684.1:p.Gly888Ser) [GRCH38: NC_000015.10:g.89321197C>T] variant in POLG gene is interpretated to be a Pathogenic based on ACMG guidelines (PMID: 25741868). This variant meets the following evidence codes reported in the ACMG-guideline. PS1:This variation causes same amino-acid change as an established pathogenic variant. PM1:This variant is in mutational hot spot or a well-studied functional domain without benign variation. PM2:This variant is absent in key population databases. PM3:Detected in trans with a pathogenic variant for Mitochondrial DNA depletion syndrome 4A (Alpers type) which is a recessive disorder. PP1:This variant is co-segregated with Mitochondrial DNA depletion syndrome 4A (Alpers type) in multiple affected family members. PP2:This is a missense variant in POLG with a low rate of benign and high rate of pathogenic missense variations. PP3:Computational evidence/predictors indicate the variant has deleterious effect on POLG structure, function, or protein-protein interaction. PP4:Patient's phenotype or family history is highly specific for POLG. Based on the evidence criteria codes applied, the variant is suggested to be Pathogenic.

NM_002693.3(POLG):c.2662G>A (p.Gly888Ser)

Gene: POLG (DNA polymerase gamma, catalytic subunit; minus strand). Cytogenetic location: 15q26.1.
Variant type: single nucleotide variant.
Coding change: c.2662G>A on transcript NM_002693.3 (MANE Select); coding-DNA position 2662, G replaced by A.
Protein change: p.Gly888Ser; replaces glycine 888 with serine.
Molecular consequence: missense variant.
Genome position (GRCh38, 1-based): chr15:89,321,197, C>T on the plus strand (G>A on the coding strand, the complement: POLG is on the minus strand). VCF-style: chr15-89321197-C-T. GRCh37 (hg19) VCF-style: chr15-89864428-C-T.
Other names: c.2662G>A, p.Gly888Ser (NM_001126131.2); short protein forms G888S.
Identifiers: ClinVar variation 619332 (VCV000619332.1), dbSNP rs1567186787, ClinGen allele CA10602237.